The following is an entry in ClinVar:

NM_001042492.3(NF1):c.1060A>T (p.Lys354Ter)

Gene: NF1 (neurofibromin 1; plus strand). Cytogenetic location: 17q11.2.
Variant type: single nucleotide variant.
Coding change: c.1060A>T on transcript NM_001042492.3 (MANE Select); coding-DNA position 1060, A replaced by T.
Protein change: p.Lys354Ter; replaces lysine 354 with a stop codon.
Molecular consequence: nonsense.
Genome position (GRCh38, 1-based): chr17:31,200,593, A>T. VCF-style: chr17-31200593-A-T. GRCh37 (hg19) VCF-style: chr17-29527611-A-T.
Other names: c.1060A>T, p.Lys354Ter (NM_001128147.3, NM_000267.4); short protein forms K354*.
Identifiers: ClinVar variation 3722577 (VCV003722577.2).

ClinVar aggregate classification (germline): Pathogenic (1 of 4 stars; one submission).

Conditions:
Neurofibromatosis, type 1 (NF1). Also called: VON RECKLINGHAUSEN DISEASE; NEUROFIBROMATOSIS, TYPE I, SOMATIC; Peripheral type neurofibromatosis; Neurofibromatosis, type I. Identifiers: Orphanet 636, MedGen C0027831, MONDO:0018975, OMIM 162200. Disease mechanism: loss of function.

Submission:

Labcorp Genetics (formerly Invitae), Labcorp
Classification: Pathogenic for Neurofibromatosis, type 1. Last evaluated: 2024-11-24. Review status: criteria provided, single submitter. Criteria: Invitae Variant Classification Sherloc (09022015). Collection method: clinical testing. Allele origin: germline.
Comment: This sequence change creates a premature translational stop signal (p.Lys354*) in the NF1 gene. It is expected to result in an absent or disrupted protein product. Loss-of-function variants in NF1 are known to be pathogenic (PMID: 10712197, 23913538). This variant is not present in population databases (gnomAD no frequency). This premature translational stop signal has been observed in individual(s) with neurofibromatosis type I (PMID: 10712197). Algorithms developed to predict the effect of sequence changes on RNA splicing suggest that this variant may disrupt the consensus splice site. For these reasons, this variant has been classified as Pathogenic.

Literature cited by the submitters: PubMed 10712197; PubMed 23913538.